The following is an entry in ClinVar:

NM_000718.4(CACNA1B):c.6030+3A>G

Gene: CACNA1B (calcium voltage-gated channel subunit alpha1 B; plus strand). Cytogenetic location: 9q34.3.
Variant type: single nucleotide variant.
Coding change: c.6030+3A>G on transcript NM_000718.4 (MANE Select); 3 bases into the intron after coding-DNA position 6030, A replaced by G.
Molecular consequence: intron variant.
Genome position (GRCh38, 1-based): chr9:138,118,771, A>G. VCF-style: chr9-138118771-A-G. GRCh37 (hg19) VCF-style: chr9-141013223-A-G.
Other names: c.6030+3A>G (NM_001243812.2).
Identifiers: ClinVar variation 1511105 (VCV001511105.3), dbSNP rs200130612, ClinGen allele CA5377574.
Genomic context (GRCh38, chr9:138,118,771, plus strand): 5'-TGGGCTGGAGAGCCAGGGTCGAGCGGCCTCCATGCCCCGCCTTGCGGCCGAGACTCAGGT[A>G]GGTGGTCTGGGAGGGTCCAGGCCCTGGGCTGGGCAAGTGGGGGGTGGGGAAGTGGGGCTG-3'

ClinVar aggregate classification (germline): Uncertain significance (1 of 4 stars; one submission).

Allele frequency attached by ClinVar (database versions not stated): gnomAD 0.00003; gnomAD exomes 0.00004 and 0.00005; TOPMed 0.00005; ExAC 0.00006.
gnomAD v4.1: 70 of 1,413,516 alleles (0.005%); highest among the groups gnomAD compares: Middle Eastern, 0.019%; no homozygotes.

Submission:

Labcorp Genetics (formerly Invitae), Labcorp
Classification: Uncertain significance. Last evaluated: 2022-10-31. Review status: criteria provided, single submitter. Criteria: Invitae Variant Classification Sherloc (09022015). Collection method: clinical testing. Allele origin: germline.
Comment: This sequence change falls in intron 44 of the CACNA1B gene. It does not directly change the encoded amino acid sequence of the CACNA1B protein. It affects a nucleotide within the consensus splice site. This variant is present in population databases (rs200130612, gnomAD 0.009%). This variant has not been reported in the literature in individuals affected with CACNA1B-related conditions. ClinVar contains an entry for this variant (Variation ID: 1511105). Variants that disrupt the consensus splice site are a relatively common cause of aberrant splicing (PMID: 17576681, 9536098). Algorithms developed to predict the effect of sequence changes on RNA splicing suggest that this variant is not likely to affect RNA splicing. In summary, the available evidence is currently insufficient to determine the role of this variant in disease. Therefore, it has been classified as a Variant of Uncertain Significance.

Literature cited by the submitters: PubMed 17576681; PubMed 9536098.